The following is an entry in ClinVar:

ClinVar aggregate classification (germline): Uncertain significance (1 of 4 stars; one submission).

Conditions:
Propionic acidemia (PROP). Also called: GLYCINEMIA, KETOTIC; HYPERGLYCINEMIA WITH KETOACIDOSIS AND LEUKOPENIA; KETOTIC HYPERGLYCINEMIA. Identifiers: Orphanet 35, MedGen C0268579, MONDO:0011628, OMIM 606054, HP:0003571.

Allele frequency attached by ClinVar (database versions not stated): TOPMed below 0.00001.

Submission:

Labcorp Genetics (formerly Invitae), Labcorp
Classification: Uncertain significance for Propionic acidemia. Last evaluated: 2021-03-17. Review status: criteria provided, single submitter. Criteria: Invitae Variant Classification Sherloc (09022015). Collection method: clinical testing. Allele origin: germline.
Comment: This sequence change falls in intron 10 of the PCCB gene. It does not directly change the encoded amino acid sequence of the PCCB protein. It affects a nucleotide within the consensus splice site of the intron. This variant is not present in population databases (ExAC no frequency). This variant has not been reported in the literature in individuals with PCCB-related conditions. Nucleotide substitutions within the consensus splice site are a relatively common cause of aberrant splicing (PMID: 17576681, 9536098). Algorithms developed to predict the effect of sequence changes on RNA splicing suggest that this variant may disrupt the consensus splice site, but this prediction has not been confirmed by published transcriptional studies. In summary, the available evidence is currently insufficient to determine the role of this variant in disease. Therefore, it has been classified as a Variant of Uncertain Significance.

Literature cited by the submitters: PubMed 17576681; PubMed 9536098.

NM_000532.5(PCCB):c.1090+3A>C

Gene: PCCB (propionyl-CoA carboxylase subunit beta; plus strand). Cytogenetic location: 3q22.3.
Variant type: single nucleotide variant.
Coding change: c.1090+3A>C on transcript NM_000532.5 (MANE Select); 3 bases into the intron after coding-DNA position 1090, A replaced by C.
Molecular consequence: intron variant.
Genome position (GRCh38, 1-based): chr3:136,317,067, A>C. VCF-style: chr3-136317067-A-C. GRCh37 (hg19) VCF-style: chr3-136035909-A-C.
Other names: c.1150+3A>C (NM_001178014.2).
Identifiers: ClinVar variation 2143573 (VCV002143573.1), dbSNP rs1418368597, ClinGen allele CA899357293.